The following is an entry in ClinVar:

ClinVar aggregate classification (germline): Uncertain significance (1 of 4 stars; one submission).

Conditions:
Brown-Vialetto-van Laere syndrome 2. Also called: Riboflavin transporter deficiency type 2; SPINOCEREBELLAR ATAXIA WITH BLINDNESS AND DEAFNESS 2. Identifiers: Orphanet 572543, Orphanet 97229, MedGen C3553538, MONDO:0013867, OMIM 614707.

Allele frequency attached by ClinVar (database versions not stated): gnomAD exomes below 0.00001; TOPMed below 0.00001; ExAC 0.00001; gnomAD 0.00001.
gnomAD v4.1: 1 of 1,612,866 alleles (0.000062%); highest among the groups gnomAD compares: Non-Finnish European, 0.000085%; no homozygotes.

Submission:

Labcorp Genetics (formerly Invitae), Labcorp
Classification: Uncertain significance for Brown-Vialetto-van Laere syndrome 2. Last evaluated: 2018-06-11. Review status: criteria provided, single submitter. Criteria: Invitae Variant Classification Sherloc (09022015). Collection method: clinical testing. Allele origin: germline.
Comment: This variant has not been reported in the literature in individuals with SLC52A2-related disease. This sequence change replaces serine with asparagine at codon 194 of the SLC52A2 protein (p.Ser194Asn). The serine residue is moderately conserved and there is a small physicochemical difference between serine and asparagine. This variant is present in population databases (rs782409764, ExAC 0.002%). Algorithms developed to predict the effect of missense changes on protein structure and function output the following: SIFT: "Tolerated"; PolyPhen-2: "Benign"; Align-GVGD: "Class C0". The asparagine amino acid residue is found in multiple mammalian species, suggesting that this missense change does not adversely affect protein function. These predictions have not been confirmed by published functional studies and their clinical significance is uncertain. In summary, the available evidence is currently insufficient to determine the role of this variant in disease. Therefore, it has been classified as a Variant of Uncertain Significance.

NM_001363118.2(SLC52A2):c.581G>A (p.Ser194Asn)

Gene: SLC52A2 (solute carrier family 52 member 2; plus strand). Cytogenetic location: 8q24.3.
Variant type: single nucleotide variant.
Coding change: c.581G>A on transcript NM_001363118.2 (MANE Select); coding-DNA position 581, G replaced by A.
Protein change: p.Ser194Asn; replaces serine 194 with asparagine.
Molecular consequence: missense variant. On other transcripts: non-coding transcript variant (1), intron variant (1).
Genome position (GRCh38, 1-based): chr8:144,360,073, G>A. VCF-style: chr8-144360073-G-A. GRCh37 (hg19) VCF-style: chr8-145583733-G-A.
Other names: c.581G>A, p.Ser194Asn (NM_001253815.2, NM_001253816.2, NM_001363120.2 and 2 more transcripts); c.131-42G>A (NM_001363122.2); short protein forms S194N.
Identifiers: ClinVar variation 577697 (VCV000577697.6), dbSNP rs782409764, ClinGen allele CA4938230.